The following is an entry in ClinVar:

NM_001267550.2(TTN):c.63191C>T (p.Pro21064Leu)

Genes: TTN (titin; minus strand), TTN-AS1 (TTN antisense RNA 1; plus strand). Cytogenetic location: 2q31.2.
Variant type: single nucleotide variant.
Coding change: c.63191C>T on transcript NM_001267550.2 (MANE Select); coding-DNA position 63191, C replaced by T.
Protein change: p.Pro21064Leu; replaces proline 21064 with leucine.
Molecular consequence: missense variant.
Genome position (GRCh38, 1-based): chr2:178,588,216, G>A on the plus strand (C>T on the coding strand, the complement: TTN is on the minus strand). VCF-style: chr2-178588216-G-A. GRCh37 (hg19) VCF-style: chr2-179452943-G-A.
Other names: c.58268C>T, p.Pro19423Leu (NM_001256850.1); c.35996C>T, p.Pro11999Leu (NM_003319.4); c.55487C>T, p.Pro18496Leu (NM_133378.4); c.36371C>T, p.Pro12124Leu (NM_133432.3); c.36572C>T, p.Pro12191Leu (NM_133437.4); short protein forms P11999L, P18496L, P21064L, P12124L, P12191L, P19423L.
Identifiers: ClinVar variation 3571789 (VCV003571789.1).

ClinVar aggregate classification (germline): Uncertain significance (1 of 4 stars; one submission).

gnomAD v4.1: 1 of 1,560,874 alleles (0.000064%); highest among the groups gnomAD compares: Non-Finnish European, 0.000087%; no homozygotes.

Submission:

Athena Diagnostics
Classification: Uncertain significance. Last evaluated: 2024-02-05. Review status: criteria provided, single submitter. Criteria: Athena Diagnostics Criteria. Collection method: clinical testing. Allele origin: unknown.
Comment: Available data are insufficient to determine the clinical significance of the variant at this time. This variant has not been reported in large, multi-ethnic general populations. Computational tools disagree on the variant's effect on normal protein function.